The following is an entry in ClinVar:

NM_002458.3(MUC5B):c.7826T>C (p.Leu2609Pro)

Genes: MUC5B (mucin 5B, oligomeric mucus/gel-forming; plus strand), MUC5B-AS1 (MUC5B antisense RNA 1; minus strand). Cytogenetic location: 11p15.5.
Variant type: single nucleotide variant.
Coding change: c.7826T>C on transcript NM_002458.3 (MANE Select); coding-DNA position 7826, T replaced by C.
Protein change: p.Leu2609Pro; replaces leucine 2609 with proline.
Molecular consequence: missense variant.
Genome position (GRCh38, 1-based): chr11:1,244,706, T>C. VCF-style: chr11-1244706-T-C. GRCh37 (hg19) VCF-style: chr11-1265936-T-C.
Other names: short protein forms L2609P.
Identifiers: ClinVar variation 403181 (VCV000403181.5), dbSNP rs2943496, ClinGen allele CA5806439.
Genomic context (GRCh38, chr11:1,244,706, plus strand): 5'-CCACCGGCTCTGTGGCCACCCCCTCCTCCACCCCAGGAACAGCTCACACTACCAAAGTGC[T>C]GACTACCACAACCACGGGCTTCACAGCCACCCCCTCCTCCAGCCCAGGGACGGCACGCAC-3'
Protein context (NP_002449.2, residues 2599-2619): TPGTAHTTKV[Leu2609Pro]TTTTTGFTAT

ClinVar aggregate classification (germline): Likely benign. Review status: criteria provided, multiple submitters, no conflicts (2 of 4 stars). 2 submissions from 2 submitters: Likely benign (2). Last evaluated 2016-03-28.

Allele frequency attached by ClinVar (database versions not stated): ESP Exome Variant Server 0.00827; 1000 Genomes Project 0.01338; 1000 Genomes Project 30x 0.01499; ExAC 0.02034; TOPMed 0.02177; gnomAD 0.02319 and 0.02358.
gnomAD v4.1: 37,756 of 1,602,980 alleles (2.4%); highest among the groups gnomAD compares: Middle Eastern, 2.8%; 690 homozygotes.

Submissions (2):

Laboratory for Molecular Medicine, Mass General Brigham Personalized Medicine
Classification: Likely benign. Last evaluated: 2016-03-28. Review status: criteria provided, single submitter. Criteria: LMM Criteria. Collection method: clinical testing. Allele origin: germline.
Comment: Variant identified in a genome or exome case(s) and assessed due to predicted null impact of the variant or pathogenic assertions in the literature or databases. Disclaimer: This variant has not undergone full assessment. The following are preliminary notes: Frequency

Breakthrough Genomics
Classification: Likely benign. Review status: criteria provided, single submitter. Criteria: ACMG Guidelines, 2015. Collection method: not provided. Allele origin: germline. Inheritance: Autosomal dominant inheritance. Affected: yes.